The following is an entry in ClinVar:

NM_006147.4(IRF6):c.1173G>T (p.Leu391Phe)

Gene: IRF6 (interferon regulatory factor 6; minus strand). Cytogenetic location: 1q32.2.
Variant type: single nucleotide variant.
Coding change: c.1173G>T on transcript NM_006147.4 (MANE Select); coding-DNA position 1173, G replaced by T.
Protein change: p.Leu391Phe; replaces leucine 391 with phenylalanine.
Molecular consequence: missense variant.
Genome position (GRCh38, 1-based): chr1:209,789,673, C>A on the plus strand (G>T on the coding strand, the complement: IRF6 is on the minus strand). VCF-style: chr1-209789673-C-A. GRCh37 (hg19) VCF-style: chr1-209963018-C-A.
Other names: c.888G>T, p.Leu296Phe (NM_001206696.2); short protein forms L391F, L296F.
Identifiers: ClinVar variation 559495 (VCV000559495.2), dbSNP rs141653312, ClinGen allele CA344574480.
Genomic context (GRCh38, chr1:209,789,673, plus strand): 5'-GCTTAAGCATTGGCAAAAAGATGAAGAGTTGTTGACACAGCCTTATCTTCTCACCTGAAC[C>A]AAGATGAGTTTCCTTTCCAATGGTTTCCCATCTGGCCATTCTTCCCCAAAGCATAAGTAG-3'
Protein context (NP_006138.1, residues 381-401): DGKPLERKLI[Leu391Phe]VQVIPVVARM

ClinVar aggregate classification (germline): Benign (0 of 4 stars; one submission).

Conditions:
Orofacial cleft 10 (OFC10). Also called: CLEFT LIP WITH OR WITHOUT CLEFT PALATE, NONSYNDROMIC, 10. Identifiers: MedGen C1866070, MONDO:0013378, OMIM 613705.

Submission:

Pharmacology and Genetics Laboratory, Bauru School of Dentistry, University of Sao Paulo
Classification: Benign for Orofacial cleft 10. Review status: no assertion criteria provided. Collection method: case-control. Allele origin: unknown. Affected: yes. Observed: 1 variant allele.
Comment: In silico analysis revealed polyphen prediction benign with polyphen score 0.214. Provean protein Batch - SIFT was predicted as tolerated with score 0.27. Mutation tester predicted disease causing.

Literature cited by the submitters: PubMed 27834299; PubMed 26346622; PubMed 28762676.